The following is an entry in ClinVar:

ClinVar aggregate classification (germline): Benign (1 of 4 stars; one submission).

Conditions:
Tuberous sclerosis 2 (TSC2). Identifiers: Orphanet 805, MedGen C1860707, MONDO:0013199, OMIM 613254.

Submission:

Myriad Genetics, Inc.
Classification: Benign for Tuberous sclerosis 2. Last evaluated: 2025-05-30. Review status: criteria provided, single submitter. Criteria: Myriad Autosomal Dominant, Autosomal Recessive and X-Linked Classification Criteria (2023). Collection method: clinical testing. Allele origin: unknown.
Comment: This variant is considered benign. This variant is a silent/synonymous amino acid change and it is not expected to impact splicing.

NM_000548.5(TSC2):c.3660C>T (p.Ser1220=)

Gene: TSC2 (TSC complex subunit 2; plus strand). Cytogenetic location: 16p13.3.
Variant type: single nucleotide variant.
Coding change: c.3660C>T on transcript NM_000548.5 (MANE Select); coding-DNA position 3660, C replaced by T.
Protein change: p.Ser1220=; no amino-acid change (serine 1220 retained).
Molecular consequence: synonymous variant. On other transcripts: non-coding transcript variant (5).
Genome position (GRCh38, 1-based): chr16:2,081,644, C>T. VCF-style: chr16-2081644-C-T. GRCh37 (hg19) VCF-style: chr16-2131645-C-T.
Other names: c.3528C>T, p.Ser1176= (NM_001077183.3, NM_001370404.1, NM_001406665.1); c.3660C>T, p.Ser1220= (NM_001114382.3); c.3420C>T, p.Ser1140= (NM_001318827.2); c.3384C>T, p.Ser1128= (NM_001318829.2); c.2928C>T, p.Ser976= (NM_001318831.2, NM_001406687.1, NM_001406688.1); c.3561C>T, p.Ser1187= (NM_001318832.2); c.3531C>T, p.Ser1177= (NM_001363528.2, NM_001370405.1, NM_021055.3); c.3657C>T, p.Ser1219= (NM_001406663.1, NM_001406664.1); and 18 more.
Identifiers: ClinVar variation 4071105 (VCV004071105.1).
Genomic context (GRCh38, chr16:2,081,644, plus strand): 5'-CGCCTCCGCAGGGAACACCAGCTGGCTGATGAGCCTGGAGAACCCGCTCAGCCCTTTCTC[C>T]TCGGACATCAACAACATGCCCCTGCAGGAGCTGTCTAACGCCCTCATGGCGGCTGAGCGC-3'
Protein context (NP_000539.2, residues 1210-1230): MSLENPLSPF[Ser1220=]SDINNMPLQE